The following is an entry in ClinVar:

ClinVar aggregate classification (germline): Uncertain significance (1 of 4 stars; one submission).

Conditions:
Cardiac arrhythmia. Also called: Arrhythmia; Cardiac rhythm disease. Identifiers: MedGen C0003811, MONDO:0007263, HP:0011675.

Submission:

Color Diagnostics, LLC DBA Color Health
Classification: Uncertain significance for Cardiac arrhythmia. Last evaluated: 2024-03-06. Review status: criteria provided, single submitter. Criteria: ACMG Guidelines, 2015. Collection method: clinical testing. Allele origin: germline.
Comment: This missense variant replaces isoleucine with valine at codon 201 of the KCNQ1 protein. Computational prediction suggests that this variant may have deleterious impact on protein structure and function (internally defined REVEL score threshold >= 0.7, PMID: 27666373). To our knowledge, functional studies have not been reported for this variant. This variant has not been reported in individuals affected with cardiovascular disorders in the literature. This variant has not been identified in the general population by the Genome Aggregation Database (gnomAD). The available evidence is insufficient to determine the role of this variant in disease conclusively. Therefore, this variant is classified as a Variant of Uncertain Significance.

NM_000218.3(KCNQ1):c.601A>G (p.Ile201Val)

Gene: KCNQ1 (potassium voltage-gated channel subfamily Q member 1; plus strand). Cytogenetic location: 11p15.5.
Variant type: single nucleotide variant.
Coding change: c.601A>G on transcript NM_000218.3 (MANE Select); coding-DNA position 601, A replaced by G.
Protein change: p.Ile201Val; replaces isoleucine 201 with valine.
Molecular consequence: missense variant. On other transcripts: intron variant (1).
Genome position (GRCh38, 1-based): chr11:2,570,751, A>G. VCF-style: chr11-2570751-A-G. GRCh37 (hg19) VCF-style: chr11-2591981-A-G.
Other names: c.601A>G, p.Ile201Val (NM_001406836.1); c.331A>G, p.Ile111Val (NM_001406837.1); c.220A>G, p.Ile74Val (NM_181798.2); c.478-12684A>G (NM_001406838.1); short protein forms I201V, I74V, I111V.
Identifiers: ClinVar variation 2773464 (VCV002773464.2), dbSNP rs2493668148, ClinGen allele CA379130126.